The following is an entry in ClinVar:

ClinVar aggregate classification (germline): Uncertain significance. Review status: criteria provided, multiple submitters, no conflicts (2 of 4 stars). 2 submissions from 2 submitters: Uncertain significance (2). Last evaluated 2023-11-06.

Conditions:
Growth hormone insensitivity with immune dysregulation 1, autosomal recessive. Also called: GROWTH HORMONE INSENSITIVITY SYNDROME WITH IMMUNE DYSREGULATION 1, AUTOSOMAL RECESSIVE; GROWTH HORMONE INSENSITIVITY DUE TO POSTRECEPTOR DEFECT; LARON SYNDROME DUE TO POSTRECEPTOR DEFECT; Laron syndrome with immunodeficiency. Identifiers: Orphanet 220465, MedGen C5435698, MONDO:0100211, OMIM 245590.

Allele frequency attached by ClinVar (database versions not stated): gnomAD exomes 0.00001.
gnomAD v4.1: 22 of 1,614,078 alleles (0.0014%); highest among the groups gnomAD compares: Non-Finnish European, 0.0017%; no homozygotes.

Submissions (2):

St. Jude Molecular Pathology, St. Jude Children's Research Hospital
Classification: Uncertain significance for Growth hormone insensitivity with immune dysregulation 1, autosomal recessive. Last evaluated: 2023-11-06. Review status: criteria provided, single submitter. Criteria: St. Jude Assertion Criteria 2020. Collection method: clinical testing. Allele origin: germline.
Comment: The STAT5B c.197A>G (p.Gln66Arg) missense change has a maximum subpopulation frequency of 0.0018% in gnomAD v2.1.1. The in silico tool REVEL predicts a benign effect on protein function, but to our knowledge this prediction has not been confirmed by functional studies. To our knowledge, this variant has not been reported in the literature in individuals with STAT5B-associated clinical phenotypes. In summary, the evidence currently available is insufficient to determine the clinical significance of this variant. It has therefore been classified as of uncertain significance.

Labcorp Genetics (formerly Invitae), Labcorp
Classification: Uncertain significance for Growth hormone insensitivity with immune dysregulation 1, autosomal recessive. Last evaluated: 2021-12-23. Review status: criteria provided, single submitter. Criteria: Invitae Variant Classification Sherloc (09022015). Collection method: clinical testing. Allele origin: germline.
Comment: This variant is present in population databases (rs750520285, gnomAD 0.002%). This variant has not been reported in the literature in individuals affected with STAT5B-related conditions. Algorithms developed to predict the effect of missense changes on protein structure and function are either unavailable or do not agree on the potential impact of this missense change (SIFT: "Deleterious"; PolyPhen-2: "Probably Damaging"; Align-GVGD: "Class C0"). In summary, the available evidence is currently insufficient to determine the role of this variant in disease. Therefore, it has been classified as a Variant of Uncertain Significance. This sequence change replaces glutamine, which is neutral and polar, with arginine, which is basic and polar, at codon 66 of the STAT5B protein (p.Gln66Arg).

NM_012448.4(STAT5B):c.197A>G (p.Gln66Arg)

Gene: STAT5B (signal transducer and activator of transcription 5B; minus strand). Cytogenetic location: 17q21.2.
Variant type: single nucleotide variant.
Coding change: c.197A>G on transcript NM_012448.4 (MANE Select); coding-DNA position 197, A replaced by G.
Protein change: p.Gln66Arg; replaces glutamine 66 with arginine.
Molecular consequence: missense variant.
Genome position (GRCh38, 1-based): chr17:42,227,617, T>C on the plus strand (A>G on the coding strand, the complement: STAT5B is on the minus strand). VCF-style: chr17-42227617-T-C. GRCh37 (hg19) VCF-style: chr17-40379635-T-C.
Other names: short protein forms Q66R.
Identifiers: ClinVar variation 1516478 (VCV001516478.7), dbSNP rs750520285, ClinGen allele CA290746924.